The following is an entry in ClinVar:

NM_001844.5(COL2A1):c.969+10G>A

Gene: COL2A1 (collagen type II alpha 1 chain; minus strand). Cytogenetic location: 12q13.11.
Variant type: single nucleotide variant.
Coding change: c.969+10G>A on transcript NM_001844.5 (MANE Select); 10 bases into the intron after coding-DNA position 969, G replaced by A.
Molecular consequence: intron variant.
Genome position (GRCh38, 1-based): chr12:47,993,448, C>T on the plus strand (G>A on the coding strand, the complement: COL2A1 is on the minus strand). VCF-style: chr12-47993448-C-T. GRCh37 (hg19) VCF-style: chr12-48387231-C-T.
Other names: c.969+10G>A (NM_001844.4); c.762+10G>A (NM_033150.3).
Identifiers: ClinVar variation 1965031 (VCV001965031.8), dbSNP rs761850045, ClinGen allele CA6535689.

ClinVar aggregate classification (germline): Likely benign. Review status: criteria provided, multiple submitters, no conflicts (2 of 4 stars). 3 submissions from 3 submitters: Likely benign (2). 1 of the submissions does not count toward it. Last evaluated 2025-05-06.

Conditions:
COL2A1-related disorder. Also called: COL2A1-related condition; COL2A1-related disorders.

Allele frequency attached by ClinVar (database versions not stated): gnomAD 0.00001; ExAC 0.00002; TOPMed 0.00001.
gnomAD v4.1: 25 of 1,607,370 alleles (0.0016%); highest among the groups gnomAD compares: South Asian, 0.0055%; no homozygotes.

Submissions (3):

Women's Health and Genetics/Laboratory Corporation of America, LabCorp
Classification: Likely benign. Last evaluated: 2025-05-06. Review status: criteria provided, single submitter. Criteria: LabCorp Variant Classification Summary - May 2015. Collection method: clinical testing. Allele origin: germline.

Labcorp Genetics (formerly Invitae), Labcorp
Classification: Likely benign. Last evaluated: 2025-03-31. Review status: criteria provided, single submitter. Criteria: Invitae Variant Classification Sherloc (09022015). Collection method: clinical testing. Allele origin: germline.

PreventionGenetics, part of Exact Sciences
Classification: Likely benign for COL2A1-related condition. Last evaluated: 2024-06-10. Review status: no assertion criteria provided. Collection method: clinical testing. Allele origin: germline. Not counted in ClinVar's aggregate classification.
Comment: This variant is classified as likely benign based on ACMG/AMP sequence variant interpretation guidelines (Richards et al. 2015 PMID: 25741868, with internal and published modifications).